The following is an entry in ClinVar:

ClinVar aggregate classification (germline): Likely pathogenic (1 of 4 stars; one submission).

Conditions:
Familial thoracic aortic aneurysm and aortic dissection (TAAD). Also called: Thoracic aortic aneurysms and dissections. Identifiers: Orphanet 91387, MedGen C4707243, MONDO:0019625.
Marfan syndrome (MFS). Also called: FBN1-Related Marfan Syndrome; Marfan's syndrome; MARFAN SYNDROME, TYPE I; Marfan syndrome type 1; Marfan syndrome, classic. Identifiers: Orphanet 284963, Orphanet 558, MedGen C0024796, MONDO:0007947, OMIM 154700.

Submission:

Labcorp Genetics (formerly Invitae), Labcorp
Classification: Likely pathogenic for Marfan syndrome; Familial thoracic aortic aneurysm and aortic dissection. Last evaluated: 2019-12-30. Review status: criteria provided, single submitter. Criteria: Invitae Variant Classification Sherloc (09022015). Collection method: clinical testing. Allele origin: germline.
Comment: This variant affects a cysteine residue in the EGF-like, TGFBP or hybrid motif domains of FBN1. Cysteine residues are believed to be involved in intramolecular disulfide bridges and have been shown to be important for FBN1 protein structure (PMID: 16905551, 19349279). In addition, missense substitutions affecting cysteine residues within these domains are significantly overrepresented among patients with Marfan syndrome (PMID: 16571647, 17701892). In summary, the currently available evidence indicates that the variant is pathogenic, but additional data are needed to prove that conclusively. Therefore, this variant has been classified as Likely Pathogenic. This variant has not been reported in the literature in individuals with FBN1-related conditions. This variant is not present in population databases (ExAC no frequency). This variant, c.997_1032del, results in the deletion of 12 amino acid(s) of the FBN1 protein (p.Pro333_Arg344del), but otherwise preserves the integrity of the reading frame.

Literature cited by the submitters: PubMed 16905551; PubMed 19349279; PubMed 16571647; PubMed 17701892.

NM_000138.5(FBN1):c.997_1032del (p.Pro333_Arg344del)

Genes: FBN1 (fibrillin 1; minus strand), LOC113939944 (Sharpr-MPRA regulatory region 9539; plus strand). Cytogenetic location: 15q21.1.
Variant type: Deletion.
Coding change: c.997_1032del on transcript NM_000138.5 (MANE Select); coding-DNA positions 997 to 1032, 36 bases deleted.
Protein change: p.Pro333_Arg344del.
Molecular consequence: inframe deletion.
Genome position (GRCh38, 1-based): chr15:48,520,774-48,520,809, 36 bases deleted; deleting any 36 consecutive bases within chr15:48,520,774-48,520,812 gives the same sequence; the c. name uses the placement nearest the transcript's 3' end. GRCh37 (hg19): chr15:48,812,974-48,813,009.
Identifiers: ClinVar variation 857534 (VCV000857534.10), dbSNP rs2043846857, ClinGen allele CA916082424.